The following is an entry in ClinVar:

NM_000350.3(ABCA4):c.4296C>T (p.Asp1432=)

Gene: ABCA4 (ATP binding cassette subfamily A member 4; minus strand). Cytogenetic location: 1p22.1.
Variant type: single nucleotide variant.
Coding change: c.4296C>T on transcript NM_000350.3 (MANE Select); coding-DNA position 4296, C replaced by T.
Protein change: p.Asp1432=; no amino-acid change (aspartic acid 1432 retained).
Molecular consequence: synonymous variant.
Genome position (GRCh38, 1-based): chr1:94,030,484, G>A on the plus strand (C>T on the coding strand, the complement: ABCA4 is on the minus strand). VCF-style: chr1-94030484-G-A. GRCh37 (hg19) VCF-style: chr1-94496040-G-A.
Other names: c.4074C>T, p.Asp1358= (NM_001425324.1).
Identifiers: ClinVar variation 513579 (VCV000513579.12), dbSNP rs368147821, ClinGen allele CA957656.
Genomic context (GRCh38, chr1:94,030,484, plus strand): 5'-TTACGGAAGCCACCCTTCCTTCAGGCAGCGGTTGCCAAAGCCTGGCTTATTCAGGAGGAC[G>A]TCTGCAAGTACCGTGAACTGCTCACTGCCTGGTTCATCCATGCTAGACAGAGTGAGACAT-3'
Protein context (NP_000341.2, residues 1422-1442): PGSEQFTVLA[Asp1432=]VLLNKPGFGN

ClinVar aggregate classification (germline): Likely benign. Review status: criteria provided, multiple submitters, no conflicts (2 of 4 stars). 4 submissions from 4 submitters: Likely benign (4). Last evaluated 2026-01-20.

Conditions:
ABCA4-related disorder. Also called: ABCA4-related condition; ABCA4-related disorders. Identifiers: MedGen CN239167.

Allele frequency attached by ClinVar (database versions not stated): ESP Exome Variant Server 0.00008; gnomAD exomes 0.00010 and 0.00004; ExAC 0.00012; 1000 Genomes Project 30x 0.00016; 1000 Genomes Project 0.00020; gnomAD 0.00028 and 0.00032; TOPMed 0.00028.
gnomAD v4.1: 105 of 1,614,242 alleles (0.0065%); highest among the groups gnomAD compares: African/African-American, 0.079%; no homozygotes.

Submissions (4):

Labcorp Genetics (formerly Invitae), Labcorp
Classification: Likely benign. Last evaluated: 2026-01-20. Review status: criteria provided, single submitter. Criteria: Invitae Variant Classification Sherloc (09022015). Collection method: clinical testing. Allele origin: germline.

PreventionGenetics, part of Exact Sciences
Classification: Likely benign for ABCA4-related condition. Last evaluated: 2025-12-31. Review status: criteria provided, single submitter. Criteria: ACMG Guidelines, 2015. Collection method: clinical testing. Allele origin: germline.
Comment: This variant is classified as likely benign based on ACMG/AMP sequence variant interpretation guidelines (Richards et al. 2015 PMID: 25741868, with internal and published modifications).

Blueprint Genetics
Classification: Likely benign. Last evaluated: 2024-10-29. Review status: criteria provided, single submitter. Criteria: ACMG Guidelines, 2015. Collection method: clinical testing. Allele origin: germline.

GeneDx
Classification: Likely benign. Last evaluated: 2017-11-16. Review status: criteria provided, single submitter. Criteria: GeneDx Variant Classification (06012015). Collection method: clinical testing. Allele origin: germline. Affected: yes.
Comment: This variant is considered likely benign or benign based on one or more of the following criteria: it is a conservative change, it occurs at a poorly conserved position in the protein, it is predicted to be benign by multiple in silico algorithms, and/or has population frequency not consistent with disease.